The following is an entry in ClinVar:

NM_001395413.1(POR):c.1693G>A (p.Gly565Ser)

Gene: POR (cytochrome p450 oxidoreductase; plus strand). Cytogenetic location: 7q11.23.
Variant type: single nucleotide variant.
Coding change: c.1693G>A on transcript NM_001395413.1 (MANE Select); coding-DNA position 1693, G replaced by A.
Protein change: p.Gly565Ser; replaces glycine 565 with serine.
Molecular consequence: missense variant.
Genome position (GRCh38, 1-based): chr7:75,985,955, G>A. VCF-style: chr7-75985955-G-A. GRCh37 (hg19) VCF-style: chr7-75615273-G-A.
Other names: c.1693G>A, p.Gly565Ser (NM_001367562.3, NM_001382657.2, NM_001382658.3 and 1 more transcripts); c.1747G>A, p.Gly583Ser (NM_001382655.3); c.1543G>A, p.Gly515Ser (NM_001382662.3); short protein forms G515S, G565S, G583S.
Identifiers: ClinVar variation 360715 (VCV000360715.8), dbSNP rs779082897, ClinGen allele CA4304253.

ClinVar aggregate classification (germline): Uncertain significance. Review status: criteria provided, multiple submitters, no conflicts (2 of 4 stars). 3 submissions from 3 submitters: Uncertain significance (3). Last evaluated 2024-05-08.

Conditions:
Congenital adrenal hyperplasia due to cytochrome P450 oxidoreductase deficiency. Also called: DISORDERED STEROIDOGENESIS DUE TO POR DEFICIENCY. Identifiers: Orphanet 95699, MedGen C1860042, MONDO:0013310, OMIM 613571.

Allele frequency attached by ClinVar (database versions not stated): gnomAD 0.00004; gnomAD exomes 0.00005 and 0.00007; TOPMed 0.00006; ExAC 0.00008.
gnomAD v4.1: 100 of 1,588,160 alleles (0.0063%); highest among the groups gnomAD compares: African/African-American, 0.008%; no homozygotes.

Submissions (3):

GeneDx
Classification: Uncertain significance. Last evaluated: 2024-05-08. Review status: criteria provided, single submitter. Criteria: GeneDx Variant Classification Process June 2021. Collection method: clinical testing. Allele origin: germline. Affected: yes.
Comment: In silico analysis supports that this missense variant has a deleterious effect on protein structure/function; Has not been previously published as pathogenic or benign to our knowledge; In silico analysis suggests this variant may impact gene splicing. In the absence of RNA/functional studies, the actual effect of this sequence change is unknown.

Labcorp Genetics (formerly Invitae), Labcorp
Classification: Uncertain significance for Congenital adrenal hyperplasia due to cytochrome P450 oxidoreductase deficiency. Last evaluated: 2022-02-12. Review status: criteria provided, single submitter. Criteria: Invitae Variant Classification Sherloc (09022015). Collection method: clinical testing. Allele origin: germline.
Comment: This sequence change replaces glycine, which is neutral and non-polar, with serine, which is neutral and polar, at codon 568 of the POR protein (p.Gly568Ser). This variant is present in population databases (rs779082897, gnomAD 0.01%). This variant has not been reported in the literature in individuals affected with POR-related conditions. ClinVar contains an entry for this variant (Variation ID: 360715). Algorithms developed to predict the effect of missense changes on protein structure and function are either unavailable or do not agree on the potential impact of this missense change (SIFT: "Deleterious"; PolyPhen-2: "Probably Damaging"; Align-GVGD: "Class C0"). Algorithms developed to predict the effect of sequence changes on RNA splicing suggest that this variant may create or strengthen a splice site. In summary, the available evidence is currently insufficient to determine the role of this variant in disease. Therefore, it has been classified as a Variant of Uncertain Significance.

Illumina Laboratory Services, Illumina
Classification: Uncertain significance for Congenital adrenal hyperplasia due to cytochrome P450 oxidoreductase deficiency. Last evaluated: 2018-01-13. Review status: criteria provided, single submitter. Criteria: ICSL Variant Classification Criteria 13 December 2019. Collection method: clinical testing. Allele origin: germline.